The following is an entry in ClinVar:

NM_001481.3(DRC4):c.679G>A (p.Glu227Lys)

Gene: DRC4 (dynein regulatory complex subunit 4; plus strand). Cytogenetic location: 16q24.3.
Variant type: single nucleotide variant.
Coding change: c.679G>A on transcript NM_001481.3 (MANE Select); coding-DNA position 679, G replaced by A.
Protein change: p.Glu227Lys; replaces glutamic acid 227 with lysine.
Molecular consequence: missense variant.
Genome position (GRCh38, 1-based): chr16:90,036,509, G>A. VCF-style: chr16-90036509-G-A. GRCh37 (hg19) VCF-style: chr16-90102917-G-A.
Other names: c.430G>A, p.Glu144Lys (NM_001286205.2); c.103G>A, p.Glu35Lys (NM_001286208.2); c.604G>A, p.Glu202Lys (NM_001286209.2); short protein forms E202K, E227K, E35K, E144K.
Identifiers: ClinVar variation 1421358 (VCV001421358.7), dbSNP rs574664551, ClinGen allele CA8257918.
Genomic context (GRCh38, chr16:90,036,509, plus strand): 5'-GAGCTCCACGAAGTGGAGGAGAGGAAGAATGGCCAGATCCACACGCTGATGCAGCGCCAC[G>A]AGGAGGCCTTCACCGACATTAAGAACTACTACAACGACATCACCCTCAACAACCTGGCCC-3'
Protein context (NP_001472.1, residues 217-237): GQIHTLMQRH[Glu227Lys]EAFTDIKNYY

ClinVar aggregate classification (germline): Uncertain significance. Review status: criteria provided, multiple submitters, no conflicts (2 of 4 stars). 2 submissions from 2 submitters: Uncertain significance (2). Last evaluated 2026-06-01.

Conditions:
Primary ciliary dyskinesia 33. Also called: CILIARY DYSKINESIA, PRIMARY, 33, WITHOUT SITUS INVERSUS. Identifiers: Orphanet 244, MedGen C4225230, MONDO:0014750, OMIM 616726.

Allele frequency attached by ClinVar (database versions not stated): gnomAD 0.00001; ExAC 0.00002; TOPMed 0.00002; 1000 Genomes Project 30x 0.00016; 1000 Genomes Project 0.00020.
gnomAD v4.1: 30 of 1,613,584 alleles (0.0019%); highest among the groups gnomAD compares: African/African-American, 0.019%; no homozygotes.

Submissions (2):

CeGaT Center for Human Genetics Tuebingen
Classification: Uncertain significance. Last evaluated: 2026-06-01. Review status: criteria provided, single submitter. Criteria: CeGaT Center For Human Genetics Tuebingen Variant Classification Criteria Version 2. Collection method: clinical testing. Allele origin: germline. Affected: yes. Observed: 1 variant allele.
Comment: DRC4: PM2

Labcorp Genetics (formerly Invitae), Labcorp
Classification: Uncertain significance for Primary ciliary dyskinesia 33. Last evaluated: 2022-07-19. Review status: criteria provided, single submitter. Criteria: Invitae Variant Classification Sherloc (09022015). Collection method: clinical testing. Allele origin: germline.
Comment: This sequence change replaces glutamic acid, which is acidic and polar, with lysine, which is basic and polar, at codon 227 of the GAS8 protein (p.Glu227Lys). This variant is present in population databases (rs574664551, gnomAD 0.007%). This variant has not been reported in the literature in individuals affected with GAS8-related conditions. ClinVar contains an entry for this variant (Variation ID: 1421358). Algorithms developed to predict the effect of missense changes on protein structure and function are either unavailable or do not agree on the potential impact of this missense change (SIFT: "Tolerated"; PolyPhen-2: "Probably Damaging"; Align-GVGD: "Class C0"). In summary, the available evidence is currently insufficient to determine the role of this variant in disease. Therefore, it has been classified as a Variant of Uncertain Significance.